The following is an entry in ClinVar:

NM_000051.4(ATM):c.1329del (p.Gln445fs)

Gene: ATM (ATM serine/threonine kinase; plus strand). Cytogenetic location: 11q22.3.
Variant type: Deletion.
Coding change: c.1329del on transcript NM_000051.4 (MANE Select); coding-DNA position 1329, one base deleted (A; older notation c.1329delA).
Protein change: p.Gln445fs; shifts the reading frame from glutamine 445.
Molecular consequence: frameshift variant.
Genome position (GRCh38, 1-based): chr11:108,250,794, A deleted. VCF-style (leftmost placement, unchanged base first): chr11-108250793-TA-T. GRCh37 (hg19) VCF-style: chr11-108121520-TA-T.
Other names: c.1329del, p.Gln445fs (NM_001351834.2); c.1329delA (NM_000051.3); short protein forms Q445fs.
Identifiers: ClinVar variation 142951 (VCV000142951.5), dbSNP rs587782844, ClinGen allele CA169850.
Genomic context (GRCh38, chr11:108,250,793, plus strand): 5'-ATCCTGCAAGTTTACCTAACTGTGAGCTGTCTCCATTACTGATGATACTATCTCAGCTTC[TA>T]CCCCAACAGCGACATGGGGAACGTACACCATATGTGTTACGATGCCTTACGGAAGTTGCA-3'

ClinVar aggregate classification (germline): Pathogenic. Review status: criteria provided, multiple submitters, no conflicts (2 of 4 stars). 2 submissions from 2 submitters: Pathogenic (2). Last evaluated 2024-01-16.

Conditions:
Hereditary cancer-predisposing syndrome. Also called: Hereditary Cancer Syndrome; Neoplastic Syndromes, Hereditary; Hereditary neoplastic syndrome; Tumor predisposition. Identifiers: Orphanet 140162, MedGen C0027672, MeSH D009386, MONDO:0015356.
Familial cancer of breast. Also called: BREAST CANCER, FAMILIAL; Hereditary breast cancer; hereditary breast carcinoma. Identifiers: Orphanet 227535, MedGen C0346153, MONDO:0016419, OMIM 114480. Disease mechanism: loss of function.

Submissions (2):

Myriad Genetics, Inc.
Classification: Pathogenic for Familial cancer of breast. Last evaluated: 2024-01-16. Review status: criteria provided, single submitter. Criteria: Myriad Autosomal Dominant, Autosomal Recessive and X-Linked Classification Criteria (2023). Collection method: clinical testing. Allele origin: unknown.
Comment: This variant is considered pathogenic. This variant creates a frameshift predicted to result in premature protein truncation.

Ambry Genetics
Classification: Pathogenic for Hereditary cancer-predisposing syndrome. Last evaluated: 2014-08-21. Review status: criteria provided, single submitter. Criteria: Ambry Variant Classification Scheme 2023. Collection method: clinical testing. Allele origin: germline.
Comment: The c.1329delA pathogenic mutation, located in coding exon 9 of the ATM gene, results from a deletion of one nucleotide at position 1329, causing a translational frameshift with a predicted alternate stop codon. Since frameshifts are typically deleterious in nature, this alteration is interpreted as a disease-causing mutation (ACMG Recommendations for Standards for Interpretation and Reporting of Sequence Variations. Revision 2007. Genet Med. 2008;10:294).